The following is an entry in ClinVar:

NM_138370.3(PKDCC):c.606dup (p.Leu203fs)

Genes: PKDCC (protein kinase domain containing, cytoplasmic; plus strand), LOC129933566 (ATAC-STARR-seq lymphoblastoid active region 15635; plus strand). Cytogenetic location: 2p21.
Variant type: Duplication.
Coding change: c.606dup on transcript NM_138370.3 (MANE Select); coding-DNA position 606, one base duplicated (G; older notation c.606dupG).
Protein change: p.Leu203fs; shifts the reading frame from leucine 203.
Molecular consequence: frameshift variant.
Genome position (GRCh38, 1-based): chr2:42,048,805, G duplicated. VCF-style (leftmost placement, unchanged base first): chr2-42048804-T-TG. GRCh37 (hg19) VCF-style: chr2-42275944-T-TG.
Other names: c.606dupG (NM_138370.3); short protein forms L203fs.
Identifiers: ClinVar variation 1722582 (VCV001722582.32), dbSNP rs2465741582, ClinGen allele CA2580066463.

ClinVar aggregate classification (germline): Pathogenic. Review status: criteria provided, multiple submitters, no conflicts (2 of 4 stars). 3 submissions from 3 submitters: Pathogenic (2). 1 of the submissions does not count toward it. Last evaluated 2023-10-18.

Conditions:
Rhizomelic limb shortening with dysmorphic features. Identifiers: MedGen C5394173, MONDO:0032935, OMIM 618821.

Submissions (3):

Labcorp Genetics (formerly Invitae), Labcorp
Classification: Pathogenic. Last evaluated: 2023-10-18. Review status: criteria provided, single submitter. Criteria: Invitae Variant Classification Sherloc (09022015). Collection method: clinical testing. Allele origin: germline.
Comment: This sequence change creates a premature translational stop signal (p.Leu203Alafs*96) in the PKDCC gene. It is expected to result in an absent or disrupted protein product. Loss-of-function variants in PKDCC are known to be pathogenic (PMID: 19097194, 30478137). This variant is not present in population databases (gnomAD no frequency). This premature translational stop signal has been observed in individual(s) with autosomal recessive rhizomelic limb shortening with dysmorphic features (PMID: 36896672). ClinVar contains an entry for this variant (Variation ID: 1722582). For these reasons, this variant has been classified as Pathogenic.

GeneDx
Classification: Pathogenic. Last evaluated: 2022-11-02. Review status: criteria provided, single submitter. Criteria: GeneDx Variant Classification Process June 2021. Collection method: clinical testing. Allele origin: germline. Affected: yes.
Comment: Frameshift variant predicted to result in protein truncation or nonsense mediated decay in a gene for which loss of function is a known mechanism of disease; Not observed at significant frequency in large population cohorts (gnomAD); Has not been previously published as pathogenic or benign to our knowledge

OMIM
Classification: Pathogenic for RHIZOMELIC LIMB SHORTENING WITH DYSMORPHIC FEATURES. Last evaluated: 2023-04-25. Review status: no assertion criteria provided. Collection method: literature only. Allele origin: germline. Not counted in ClinVar's aggregate classification.

Literature cited by the submitters: PubMed 19097194 (cited by Labcorp Genetics (formerly Invitae), Labcorp); PubMed 30478137 (cited by Labcorp Genetics (formerly Invitae), Labcorp); PubMed 36896672 (cited by Labcorp Genetics (formerly Invitae), Labcorp and OMIM).